The following is an entry in ClinVar:

ClinVar aggregate classification (germline): Uncertain significance (1 of 4 stars; one submission).

Conditions:
Hereditary cancer-predisposing syndrome. Also called: Neoplastic Syndromes, Hereditary; Tumor predisposition; Hereditary Cancer Syndrome; Hereditary neoplastic syndrome. Identifiers: Orphanet 140162, MedGen C0027672, MeSH D009386, MONDO:0015356.

Submission:

Ambry Genetics
Classification: Uncertain significance for Hereditary cancer-predisposing syndrome. Last evaluated: 2025-09-17. Review status: criteria provided, single submitter. Criteria: Ambry Variant Classification Scheme 2023. Collection method: clinical testing. Allele origin: germline.
Comment: The p.L858F variant (also known as c.2572C>T), located in coding exon 15 of the DICER1 gene, results from a C to T substitution at nucleotide position 2572. The leucine at codon 858 is replaced by phenylalanine, an amino acid with highly similar properties. This amino acid position is highly conserved in available vertebrate species. In addition, this alteration is predicted to be deleterious by in silico analysis. Based on the available evidence, the clinical significance of this variant remains unclear.

NM_177438.3(DICER1):c.2572C>T (p.Leu858Phe)

Gene: DICER1 (dicer 1, ribonuclease III; minus strand). Cytogenetic location: 14q32.13.
Variant type: single nucleotide variant.
Coding change: c.2572C>T on transcript NM_177438.3 (MANE Select); coding-DNA position 2572, C replaced by T.
Protein change: p.Leu858Phe; replaces leucine 858 with phenylalanine.
Molecular consequence: missense variant. On other transcripts: non-coding transcript variant (6).
Genome position (GRCh38, 1-based): chr14:95,107,958, G>A on the plus strand (C>T on the coding strand, the complement: DICER1 is on the minus strand). VCF-style: chr14-95107958-G-A. GRCh37 (hg19) VCF-style: chr14-95574295-G-A.
Other names: c.2572C>T, p.Leu858Phe (NM_001195573.1, NM_001271282.3, NM_001291628.2 and 12 more transcripts); c.2290C>T, p.Leu764Phe (NM_001395686.1); c.2167C>T, p.Leu723Phe (NM_001395687.1, NM_001395688.1, NM_001395689.1 and 2 more transcripts); c.2005C>T, p.Leu669Phe (NM_001395691.1); c.889C>T, p.Leu297Phe (NM_001395697.1); short protein forms L297F, L723F, L669F, L764F, L858F.
Identifiers: ClinVar variation 4636751 (VCV004636751.1).